The following is an entry in ClinVar:

ClinVar aggregate classification (germline): Uncertain significance (1 of 4 stars; one submission).

Conditions:
Infantile-onset ascending hereditary spastic paralysis (IAHSP). Also called: Autosomal Recessive Juvenile Amyotrophic Lateral Sclerosis; Infantile-Onset Ascending Hereditary Spastic Paralysis (IAHSP). Identifiers: Orphanet 293168, MedGen C2931441, MONDO:0011797, OMIM 607225. Disease mechanism: loss of function.

Submission:

Labcorp Genetics (formerly Invitae), Labcorp
Classification: Uncertain significance for Infantile-onset ascending hereditary spastic paralysis. Last evaluated: 2021-09-15. Review status: criteria provided, single submitter. Criteria: Invitae Variant Classification Sherloc (09022015). Collection method: clinical testing. Allele origin: germline.
Comment: This variant has not been reported in the literature in individuals affected with ALS2-related conditions. This variant is not present in population databases (ExAC no frequency). This sequence change replaces tyrosine with serine at codon 691 of the ALS2 protein (p.Tyr691Ser). The tyrosine residue is moderately conserved and there is a large physicochemical difference between tyrosine and serine. Algorithms developed to predict the effect of missense changes on protein structure and function are either unavailable or do not agree on the potential impact of this missense change (SIFT: "Deleterious"; PolyPhen-2: "Benign"; Align-GVGD: "Class C0"). In summary, the available evidence is currently insufficient to determine the role of this variant in disease. Therefore, it has been classified as a Variant of Uncertain Significance.

NM_020919.4(ALS2):c.2072A>C (p.Tyr691Ser)

Gene: ALS2 (alsin Rho guanine nucleotide exchange factor ALS2; minus strand). Cytogenetic location: 2q33.1.
Variant type: single nucleotide variant.
Coding change: c.2072A>C on transcript NM_020919.4 (MANE Select); coding-DNA position 2072, A replaced by C.
Protein change: p.Tyr691Ser; replaces tyrosine 691 with serine.
Molecular consequence: missense variant.
Genome position (GRCh38, 1-based): chr2:201,744,356, T>G on the plus strand (A>C on the coding strand, the complement: ALS2 is on the minus strand). VCF-style: chr2-201744356-T-G. GRCh37 (hg19) VCF-style: chr2-202609079-T-G.
Other names: short protein forms Y691S.
Identifiers: ClinVar variation 1381353 (VCV001381353.6), dbSNP rs2106050968, ClinGen allele CA350325097.